The following is an entry in ClinVar:

ClinVar aggregate classification (germline): Uncertain significance (1 of 4 stars; one submission).

Allele frequency attached by ClinVar (database versions not stated): ExAC 0.00001.
gnomAD v4.1: 3 of 1,612,472 alleles (0.00019%); highest among the groups gnomAD compares: South Asian, 0.0022%; no homozygotes.

Submission:

Labcorp Genetics (formerly Invitae), Labcorp
Classification: Uncertain significance. Last evaluated: 2022-03-18. Review status: criteria provided, single submitter. Criteria: Invitae Variant Classification Sherloc (09022015). Collection method: clinical testing. Allele origin: germline.
Comment: This sequence change replaces aspartic acid, which is acidic and polar, with glutamic acid, which is acidic and polar, at codon 680 of the SLC26A3 protein (p.Asp680Glu). This variant is present in population databases (rs768094962, gnomAD 0.006%). This variant has not been reported in the literature in individuals affected with SLC26A3-related conditions. Advanced modeling of protein sequence and biophysical properties (such as structural, functional, and spatial information, amino acid conservation, physicochemical variation, residue mobility, and thermodynamic stability) performed at Invitae indicates that this missense variant is not expected to disrupt SLC26A3 protein function. In summary, the available evidence is currently insufficient to determine the role of this variant in disease. Therefore, it has been classified as a Variant of Uncertain Significance.

NM_000111.3(SLC26A3):c.2040T>A (p.Asp680Glu)

Gene: SLC26A3 (solute carrier family 26 member 3; minus strand). Cytogenetic location: 7q22.3.
Variant type: single nucleotide variant.
Coding change: c.2040T>A on transcript NM_000111.3 (MANE Select); coding-DNA position 2040, T replaced by A.
Protein change: p.Asp680Glu; replaces aspartic acid 680 with glutamic acid.
Molecular consequence: missense variant.
Genome position (GRCh38, 1-based): chr7:107,772,076, A>T on the plus strand (T>A on the coding strand, the complement: SLC26A3 is on the minus strand). VCF-style: chr7-107772076-A-T. GRCh37 (hg19) VCF-style: chr7-107412521-A-T.
Other names: short protein forms D680E.
Identifiers: ClinVar variation 2113878 (VCV002113878.1), dbSNP rs768094962, ClinGen allele CA4433620.